The following is an entry in ClinVar:

ClinVar aggregate classification (germline): Uncertain significance (1 of 4 stars; one submission).

Allele frequency attached by ClinVar (database versions not stated): gnomAD 0.00001; TOPMed 0.00001.
gnomAD v4.1: 22 of 1,613,936 alleles (0.0014%); highest among the groups gnomAD compares: Middle Eastern, 0.017%; no homozygotes.

Submission:

Ambry Genetics
Classification: Uncertain significance. Last evaluated: 2024-04-21. Review status: criteria provided, single submitter. Criteria: Ambry Variant Classification Scheme 2023. Collection method: clinical testing. Allele origin: germline.
Comment: The p.Q540H variant (also known as c.1620G>C), located in coding exon 9 of the PKP4 gene, results from a G to C substitution at nucleotide position 1620. The glutamine at codon 540 is replaced by histidine, an amino acid with highly similar properties. This amino acid position is conserved. In addition, this alteration is predicted to be tolerated by in silico analysis. Since supporting evidence is limited at this time, the clinical significance of this alteration remains unclear.

NM_003628.6(PKP4):c.1620G>C (p.Gln540His)

Gene: PKP4 (plakophilin 4; plus strand). Cytogenetic location: 2q24.1.
Variant type: single nucleotide variant.
Coding change: c.1620G>C on transcript NM_003628.6 (MANE Select); coding-DNA position 1620, G replaced by C.
Protein change: p.Gln540His; replaces glutamine 540 with histidine.
Molecular consequence: missense variant.
Genome position (GRCh38, 1-based): chr2:158,640,684, G>C. VCF-style: chr2-158640684-G-C. GRCh37 (hg19) VCF-style: chr2-159497196-G-C.
Other names: c.1620G>C, p.Gln540His (NM_001005476.4, NM_001304971.2, NM_001377218.1 and 1 more transcripts); c.1617G>C, p.Gln539His (NM_001304969.3, NM_001377219.1, NM_001377220.1 and 2 more transcripts); c.591G>C, p.Gln197His (NM_001304970.3); c.1614G>C, p.Gln538His (NM_001377222.1, NM_001377223.1); c.1611G>C, p.Gln537His (NM_001377224.1); short protein forms Q197H, Q538H, Q537H, Q539H, Q540H.
Identifiers: ClinVar variation 1776605 (VCV001776605.3), dbSNP rs1247242781, ClinGen allele CA348911344.